The following is an entry in ClinVar:

ClinVar aggregate classification (germline): Uncertain significance (1 of 4 stars; one submission).

Conditions:
Spastic ataxia 2. Also called: Ataxia, spastic, 2, autosomal recessive. Identifiers: Orphanet 397946, MedGen C1969796, MONDO:0012651, OMIM 611302.

Submission:

Labcorp Genetics (formerly Invitae), Labcorp
Classification: Uncertain significance for Spastic ataxia 2. Last evaluated: 2022-09-01. Review status: criteria provided, single submitter. Criteria: Invitae Variant Classification Sherloc (09022015). Collection method: clinical testing. Allele origin: germline.
Comment: In summary, the available evidence is currently insufficient to determine the role of this variant in disease. Therefore, it has been classified as a Variant of Uncertain Significance. This sequence change replaces valine, which is neutral and non-polar, with isoleucine, which is neutral and non-polar, at codon 397 of the KIF1C protein (p.Val397Ile). This variant is not present in population databases (gnomAD no frequency). This variant has not been reported in the literature in individuals affected with KIF1C-related conditions. Algorithms developed to predict the effect of missense changes on protein structure and function (SIFT, PolyPhen-2, Align-GVGD) all suggest that this variant is likely to be tolerated.

NM_006612.6(KIF1C):c.1189G>A (p.Val397Ile)

Gene: KIF1C (kinesin family member 1C; plus strand). Cytogenetic location: 17p13.2.
Variant type: single nucleotide variant.
Coding change: c.1189G>A on transcript NM_006612.6 (MANE Select); coding-DNA position 1189, G replaced by A.
Protein change: p.Val397Ile; replaces valine 397 with isoleucine.
Molecular consequence: missense variant.
Genome position (GRCh38, 1-based): chr17:5,006,938, G>A. VCF-style: chr17-5006938-G-A. GRCh37 (hg19) VCF-style: chr17-4910233-G-A.
Other names: short protein forms V397I.
Identifiers: ClinVar variation 1998995 (VCV001998995.4), dbSNP rs2508160029, ClinGen allele CA397348833.